The following is an entry in ClinVar:

NM_015057.5(MYCBP2):c.4290C>T (p.Ser1430=)

Gene: MYCBP2 (MYC binding protein 2; minus strand). Cytogenetic location: 13q22.3.
Variant type: single nucleotide variant.
Coding change: c.4290C>T on transcript NM_015057.5 (MANE Select); coding-DNA position 4290, C replaced by T.
Protein change: p.Ser1430=; no amino-acid change (serine 1430 retained).
Molecular consequence: synonymous variant.
Genome position (GRCh38, 1-based): chr13:77,186,025, G>A on the plus strand (C>T on the coding strand, the complement: MYCBP2 is on the minus strand). VCF-style: chr13-77186025-G-A. GRCh37 (hg19) VCF-style: chr13-77760160-G-A.
Identifiers: ClinVar variation 4989625 (VCV004989625.1).
Genomic context (GRCh38, chr13:77,186,025, plus strand): 5'-TGTGAACTGGAATCCTTTTAATCCTCTAAGTTCTTCAACTCCTAAGACTAAGGTGGTCCA[G>A]CTCCAGTGAAGAATACTCAACAATGACTCAAAACATTCCTAATCCAGAATATGAAAAAAC-3'
Protein context (NP_055872.4, residues 1420-1440): FESLLSILHW[Ser1430=]WTTLVLGVEE

ClinVar aggregate classification (germline): Likely benign (1 of 4 stars; one submission).

Conditions:
MYCBP2-related disorder. Also called: MYCBP2-related condition.

gnomAD v4.1: 5 of 1,608,080 alleles (0.00031%); highest among the groups gnomAD compares: African/African-American, 0.0067%; no homozygotes.

Submission:

PreventionGenetics, part of Exact Sciences
Classification: Likely benign for MYCBP2-related condition. Last evaluated: 2026-08-06. Review status: criteria provided, single submitter. Criteria: ACMG Guidelines, 2015. Collection method: clinical testing. Allele origin: germline.
Comment: This variant is classified as likely benign based on ACMG/AMP sequence variant interpretation guidelines (Richards et al. 2015 PMID: 25741868, with internal and published modifications).